The following is an entry in ClinVar:

NM_005876.5(SPEG):c.7916G>A (p.Arg2639Gln)

Genes: ASIC4-AS1 (ASIC4 antisense RNA 1; minus strand), SPEG (striated muscle enriched protein kinase; plus strand). Cytogenetic location: 2q35.
Variant type: single nucleotide variant.
Coding change: c.7916G>A on transcript NM_005876.5 (MANE Select); coding-DNA position 7916, G replaced by A.
Protein change: p.Arg2639Gln; replaces arginine 2639 with glutamine.
Molecular consequence: missense variant.
Genome position (GRCh38, 1-based): chr2:219,488,555, G>A. VCF-style: chr2-219488555-G-A. GRCh37 (hg19) VCF-style: chr2-220353277-G-A.
Other names: short protein forms R2639Q.
Identifiers: ClinVar variation 1354267 (VCV001354267.5), dbSNP rs758116613, ClinGen allele CA2127327.

ClinVar aggregate classification (germline): Uncertain significance (1 of 4 stars; one submission).

Allele frequency attached by ClinVar (database versions not stated): ExAC 0.00001; gnomAD 0.00005; TOPMed 0.00005; gnomAD exomes 0.00002.

Submission:

Labcorp Genetics (formerly Invitae), Labcorp
Classification: Uncertain significance. Last evaluated: 2022-07-19. Review status: criteria provided, single submitter. Criteria: Invitae Variant Classification Sherloc (09022015). Collection method: clinical testing. Allele origin: germline.
Comment: In summary, the available evidence is currently insufficient to determine the role of this variant in disease. Therefore, it has been classified as a Variant of Uncertain Significance. Algorithms developed to predict the effect of missense changes on protein structure and function are either unavailable or do not agree on the potential impact of this missense change (SIFT: "Deleterious"; PolyPhen-2: "Probably Damaging"; Align-GVGD: "Class C0"). ClinVar contains an entry for this variant (Variation ID: 1354267). This variant has not been reported in the literature in individuals affected with SPEG-related conditions. The frequency data for this variant in the population databases is considered unreliable, as metrics indicate poor data quality at this position in the gnomAD database. This sequence change replaces arginine, which is basic and polar, with glutamine, which is neutral and polar, at codon 2639 of the SPEG protein (p.Arg2639Gln).